The following is an entry in ClinVar:

ClinVar aggregate classification (germline): Uncertain significance (1 of 4 stars; one submission).

Conditions:
Complex neurodevelopmental disorder. Identifiers: Orphanet 528084, MedGen C5568766, MONDO:0100038.

gnomAD v4.1: 10 of 1,614,092 alleles (0.00062%); highest among the groups gnomAD compares: Admixed American, 0.0083%; no homozygotes.

Submission:

Dasa
Classification: Uncertain significance for Complex neurodevelopmental disorder. Last evaluated: 2026-01-16. Review status: criteria provided, single submitter. Criteria: DASA Assertion Criteria. Collection method: clinical testing. Allele origin: germline.
Comment: NM_001033561.2(PHF12):c.2312G>A (p.Gly771Asp) is a missense variant that results in the substitution of glycine with aspartic acid. This variant is rare in population databases. The currently available literature and clinical evidence are not sufficient to establish a definitive association between this variant and the reported condition. Therefore, this variant is classified as a variant of uncertain significance.

NM_001033561.2(PHF12):c.2312G>A (p.Gly771Asp)

Gene: PHF12 (PHD finger protein 12; minus strand). Cytogenetic location: 17q11.2.
Variant type: single nucleotide variant.
Coding change: c.2312G>A on transcript NM_001033561.2 (MANE Select); coding-DNA position 2312, G replaced by A.
Protein change: p.Gly771Asp; replaces glycine 771 with aspartic acid.
Molecular consequence: missense variant.
Genome position (GRCh38, 1-based): chr17:28,910,273, C>T on the plus strand (G>A on the coding strand, the complement: PHF12 is on the minus strand). VCF-style: chr17-28910273-C-T. GRCh37 (hg19) VCF-style: chr17-27237291-C-T.
Other names: c.2312G>A, p.Gly771Asp (NM_001290131.2); short protein forms G771D.
Identifiers: ClinVar variation 4883423 (VCV004883423.2).